The following is an entry in ClinVar:

ClinVar aggregate classification (germline): Conflicting classifications of pathogenicity. Review status: criteria provided, conflicting classifications (1 of 4 stars). 11 submissions from 11 submitters: Uncertain significance (7); Likely benign (4). Last evaluated 2026-01-13.

Conditions:
BRIP1-related disorder. Also called: BRIP1-related condition; BRIP1-related disorders. Identifiers: MedGen CN239206.
Hereditary cancer-predisposing syndrome. Also called: Neoplastic Syndromes, Hereditary; Hereditary Cancer Syndrome; Hereditary neoplastic syndrome; Tumor predisposition. Identifiers: Orphanet 140162, MedGen C0027672, MeSH D009386, MONDO:0015356.
Familial cancer of breast. Also called: Hereditary breast cancer; hereditary breast carcinoma; BREAST CANCER, FAMILIAL. Identifiers: Orphanet 227535, MedGen C0346153, MONDO:0016419, OMIM 114480. Disease mechanism: loss of function.
Fanconi anemia complementation group J. Also called: BRIP1-Related Fanconi Anemia. Identifiers: Orphanet 84, MedGen C1836860, MONDO:0012187, OMIM 609054.

Allele frequency attached by ClinVar (database versions not stated): ExAC 0.00002; gnomAD exomes 0.00006; TOPMed 0.00014; gnomAD 0.00016 and 0.00019.
gnomAD v4.1: 45 of 1,607,660 alleles (0.0028%); highest among the groups gnomAD compares: Admixed American, 0.062%; 1 homozygote.

Submissions (11):

Labcorp Genetics (formerly Invitae), Labcorp
Classification: Likely benign for Familial cancer of breast; Fanconi anemia complementation group J. Last evaluated: 2026-01-13. Review status: criteria provided, single submitter. Criteria: Invitae Variant Classification Sherloc (09022015). Collection method: clinical testing. Allele origin: germline.

Ambry Genetics
Classification: Uncertain significance for Hereditary cancer-predisposing syndrome. Last evaluated: 2025-09-26. Review status: criteria provided, single submitter. Criteria: Ambry Variant Classification Scheme 2023. Collection method: clinical testing. Allele origin: germline.
Comment: The c.380-5A>G intronic variant results from an A to G substitution 5 nucleotides upstream from coding exon 4 in the BRIP1 gene. This nucleotide position is not well conserved in available vertebrate species. In silico splice site analysis for this alteration is inconclusive and direct evidence is insufficient at this time (Ambry internal data). Based on the available evidence, the clinical significance of this variant remains unclear.

Quest Diagnostics Nichols Institute San Juan Capistrano
Classification: Likely benign. Last evaluated: 2025-05-26. Review status: criteria provided, single submitter. Criteria: Quest Diagnostics criteria. Collection method: clinical testing. Allele origin: unknown.

Center for Genomic Medicine, Rigshospitalet, Copenhagen University Hospital
Classification: Uncertain significance. Last evaluated: 2025-03-04. Review status: criteria provided, single submitter. Criteria: ACMG Guidelines, 2015. Collection method: clinical testing. Allele origin: germline.

Myriad Genetics, Inc.
Classification: Likely benign for Familial cancer of breast. Last evaluated: 2024-08-21. Review status: criteria provided, single submitter. Criteria: Myriad Autosomal Dominant, Autosomal Recessive and X-Linked Classification Criteria (2023). Collection method: clinical testing. Allele origin: unknown.
Comment: This variant is considered likely benign. This variant is intronic and is not expected to impact mRNA splicing.

St. Jude Molecular Pathology, St. Jude Children's Research Hospital
Classification: Uncertain significance for Familial cancer of breast. Last evaluated: 2023-04-14. Review status: criteria provided, single submitter. Criteria: St. Jude Assertion Criteria 2020. Collection method: clinical testing. Allele origin: germline.
Comment: The BRIP1 c.380-5A>G intronic change results in an A to G substitution at the -5 position of intron 4 of the BRIP1 gene. Algorithms that predict the impact of sequence changes on splicing are inconclusive. This variant has a maximum subpopulation frequency of 0.038% in gnomAD v2.1.1. To our knowledge, this variant has not been reported in individuals with hereditary breast and ovarian cancer syndrome or Fanconi anemia. In summary, the evidence currently available is insufficient to determine the clinical significance of this variant. It has therefore been classified as of uncertain significance.

PreventionGenetics, part of Exact Sciences
Classification: Uncertain significance for BRIP1-related condition. Last evaluated: 2023-01-23. Review status: criteria provided, single submitter. Criteria: ACMG Guidelines, 2015. Collection method: clinical testing. Allele origin: germline.
Comment: The BRIP1 c.380-5A>G variant is predicted to interfere with splicing. To our knowledge, this variant has not been reported in the literature. It is reported in 0.038% of alleles in individuals of Latino descent in gnomAD, which is higher than expected for a primary casue of disease. This variant is classified as a VUS and likely benign by submitters to ClinVar. Although we suspect that this variant may be benign, at this time, the clinical significance is uncertain due to the absence of conclusive functional and genetic evidence.

GeneDx
Classification: Uncertain significance. Last evaluated: 2020-01-08. Review status: criteria provided, single submitter. Criteria: GeneDx Variant Classification Process June 2021. Collection method: clinical testing. Allele origin: germline. Affected: yes.
Comment: Has not been previously published as pathogenic or benign to our knowledge; In-silico analysis, which includes splice predictors and evolutionary conservation, is inconclusive as to whether the variant alters gene splicing. In the absence of RNA/functional studies, the actual effect of this sequence change is unknown.

Mendelics
Classification: Uncertain significance for Familial cancer of breast. Last evaluated: 2019-05-28. Review status: criteria provided, single submitter. Criteria: Mendelics Assertion Criteria 2017. Collection method: clinical testing. Allele origin: unknown.

Fulgent Genetics
Classification: Uncertain significance for Familial cancer of breast; Fanconi anemia complementation group J. Last evaluated: 2018-10-31. Review status: criteria provided, single submitter. Criteria: ACMG Guidelines, 2015. Collection method: clinical testing. Allele origin: unknown.

Color Diagnostics, LLC DBA Color Health
Classification: Likely benign for Hereditary cancer-predisposing syndrome. Last evaluated: 2015-07-27. Review status: criteria provided, single submitter. Criteria: ACMG Guidelines, 2015. Collection method: clinical testing. Allele origin: germline.

Literature cited by the submitters: PubMed 34623598 (cited by Quest Diagnostics Nichols Institute San Juan Capistrano).

NM_032043.3(BRIP1):c.380-5A>G

Gene: BRIP1 (BRCA1 interacting DNA helicase 1; minus strand). Cytogenetic location: 17q23.2.
Variant type: single nucleotide variant.
Coding change: c.380-5A>G on transcript NM_032043.3 (MANE Select); 5 bases into the intron before coding-DNA position 380, A replaced by G.
Molecular consequence: intron variant.
Genome position (GRCh38, 1-based): chr17:61,849,261, T>C on the plus strand (A>G on the coding strand, the complement: BRIP1 is on the minus strand). VCF-style: chr17-61849261-T-C. GRCh37 (hg19) VCF-style: chr17-59926622-T-C.
Identifiers: ClinVar variation 141947 (VCV000141947.32), dbSNP rs587782131, ClinGen allele CA166877.